The following is an entry in ClinVar:

NC_000009.12:g.35658043A>G

Gene: RMRP (RNA component of mitochondrial RNA processing endoribonuclease; minus strand). Cytogenetic location: 9p13.3.
Variant type: single nucleotide variant.
Genome position: GRCh38 VCF-style: chr9-35658043-A-G. GRCh37 (hg19) VCF-style: chr9-35658040-A-G.
Identifiers: ClinVar variation 2197480 (VCV002197480.4), dbSNP rs528920111, ClinGen allele CA5045896.

ClinVar aggregate classification (germline): Uncertain significance. Review status: criteria provided, single submitter (1 of 4 stars). 2 submissions from 2 submitters: Uncertain significance (1). 1 of the submissions does not count toward it. Last evaluated 2024-11-30.

Conditions:
Anauxetic dysplasia. Identifiers: Orphanet 93347, MedGen C1846796, MONDO:0011773.
RMRP-related disorder. Also called: RMRP-related condition.

Submissions (2):

Labcorp Genetics (formerly Invitae), Labcorp
Classification: Uncertain significance for Anauxetic dysplasia. Last evaluated: 2024-11-30. Review status: criteria provided, single submitter. Criteria: Invitae Variant Classification Sherloc (09022015). Collection method: clinical testing. Allele origin: germline.
Comment: This variant occurs in the RMRP gene, which encodes an RNA molecule that does not result in a protein product. This variant is present in population databases (rs528920111, gnomAD 0.02%). This variant has not been reported in the literature in individuals affected with RMRP-related conditions. Experimental studies and prediction algorithms are not available or were not evaluated, and the functional significance of this variant is currently unknown. In summary, the available evidence is currently insufficient to determine the role of this variant in disease. Therefore, it has been classified as a Variant of Uncertain Significance.

PreventionGenetics, part of Exact Sciences
Classification: Likely benign for RMRP-related condition. Last evaluated: 2019-07-08. Review status: no assertion criteria provided. Collection method: clinical testing. Allele origin: germline. Not counted in ClinVar's aggregate classification.
Comment: This variant is classified as likely benign based on ACMG/AMP sequence variant interpretation guidelines (Richards et al. 2015 PMID: 25741868, with internal and published modifications).